The following is an entry in ClinVar:

NM_001394062.1(MACF1):c.12115A>T (p.Thr4039Ser)

Genes: MACF1 (microtubule actin crosslinking factor 1; plus strand), LOC126805711 (CDK7 strongly-dependent group 2 enhancer GRCh37_chr1:39824023-39825222; plus strand). Cytogenetic location: 1p34.3.
Variant type: single nucleotide variant.
Coding change: c.12115A>T on transcript NM_001394062.1 (MANE Select); coding-DNA position 12115, A replaced by T.
Protein change: p.Thr4039Ser; replaces threonine 4039 with serine.
Molecular consequence: missense variant.
Genome position (GRCh38, 1-based): chr1:39,358,868, A>T. VCF-style: chr1-39358868-A-T. GRCh37 (hg19) VCF-style: chr1-39824540-A-T.
Other names: c.5929A>T, p.Thr1977Ser (NM_012090.5); short protein forms T1977S, T4039S.
Identifiers: ClinVar variation 3764185 (VCV003764185.1).

ClinVar aggregate classification (germline): Uncertain significance (1 of 4 stars; one submission).

Submission:

GeneDx
Classification: Uncertain significance. Last evaluated: 2024-08-21. Review status: criteria provided, single submitter. Criteria: GeneDx Variant Classification Process June 2021. Collection method: clinical testing. Allele origin: germline. Affected: yes.
Comment: Not observed at significant frequency in large population cohorts (gnomAD); In silico analysis supports that this missense variant has a deleterious effect on protein structure/function; Has not been previously published as pathogenic or benign to our knowledge